The following is an entry in ClinVar:

ClinVar aggregate classification (germline): Uncertain significance. Review status: criteria provided, multiple submitters, no conflicts (2 of 4 stars). 3 submissions from 3 submitters: Uncertain significance (3). Last evaluated 2025-09-10.

Conditions:
DNAH8-related disorder. Also called: DNAH8-related condition.
Primary ciliary dyskinesia. Also called: Ciliary dyskinesia. Identifiers: Orphanet 244, MedGen C0008780, MONDO:0016575, HP:0012265.

Allele frequency attached by ClinVar (database versions not stated): gnomAD exomes 0.00001; TOPMed 0.00005; gnomAD 0.00010.

Submissions (3):

Ambry Genetics
Classification: Uncertain significance. Last evaluated: 2025-09-10. Review status: criteria provided, single submitter. Criteria: Ambry Variant Classification Scheme 2023. Collection method: clinical testing. Allele origin: germline.

PreventionGenetics, part of Exact Sciences
Classification: Uncertain significance for DNAH8-related condition. Last evaluated: 2025-04-23. Review status: criteria provided, single submitter. Criteria: ACMG Guidelines, 2015. Collection method: clinical testing. Allele origin: germline.
Comment: The DNAH8 c.3731C>T variant is predicted to result in the amino acid substitution p.Ala1244Val. To our knowledge, this variant has not been reported in the literature. This variant is reported in 0.020% of alleles in individuals of African descent in gnomAD. At this time, the clinical significance of this variant is uncertain due to the absence of conclusive functional and genetic evidence.

Labcorp Genetics (formerly Invitae), Labcorp
Classification: Uncertain significance for Primary ciliary dyskinesia. Last evaluated: 2022-11-20. Review status: criteria provided, single submitter. Criteria: Invitae Variant Classification Sherloc (09022015). Collection method: clinical testing. Allele origin: germline.
Comment: This variant has not been reported in the literature in individuals affected with DNAH8-related conditions. This variant is present in population databases (no rsID available, gnomAD 0.02%). This sequence change replaces alanine, which is neutral and non-polar, with valine, which is neutral and non-polar, at codon 1244 of the DNAH8 protein (p.Ala1244Val). Advanced modeling of protein sequence and biophysical properties (such as structural, functional, and spatial information, amino acid conservation, physicochemical variation, residue mobility, and thermodynamic stability) performed at Invitae indicates that this missense variant is not expected to disrupt DNAH8 protein function. In summary, the available evidence is currently insufficient to determine the role of this variant in disease. Therefore, it has been classified as a Variant of Uncertain Significance.

NM_001206927.2(DNAH8):c.3731C>T (p.Ala1244Val)

Gene: DNAH8 (dynein axonemal heavy chain 8; plus strand). Cytogenetic location: 6p21.2.
Variant type: single nucleotide variant.
Coding change: c.3731C>T on transcript NM_001206927.2 (MANE Select); coding-DNA position 3731, C replaced by T.
Protein change: p.Ala1244Val; replaces alanine 1244 with valine.
Molecular consequence: missense variant.
Genome position (GRCh38, 1-based): chr6:38,823,572, C>T. VCF-style: chr6-38823572-C-T. GRCh37 (hg19) VCF-style: chr6-38791348-C-T.
Other names: c.3080C>T, p.Ala1027Val (NM_001371.4); short protein forms A1244V, A1027V.
Identifiers: ClinVar variation 2375548 (VCV002375548.6), dbSNP rs898719487, ClinGen allele CA137553366.